The following is an entry in ClinVar:

ClinVar aggregate classification (germline): Uncertain significance (1 of 4 stars; one submission).

Conditions:
SEMA3F-related disorder. Also called: SEMA3F-related condition.

gnomAD v4.1: 4 of 1,614,154 alleles (0.00025%); highest among the groups gnomAD compares: Admixed American, 0.0033%; no homozygotes.

Submission:

PreventionGenetics, part of Exact Sciences
Classification: Uncertain significance for SEMA3F-related condition. Last evaluated: 2026-02-03. Review status: criteria provided, single submitter. Criteria: ACMG Guidelines, 2015. Collection method: clinical testing. Allele origin: germline.
Comment: The SEMA3F c.328G>A variant is predicted to result in the amino acid substitution p.Asp110Asn. To our knowledge, this variant has not been reported in the literature. This variant is reported in 0.0058% of alleles in individuals of Latino descent in gnomAD. At this time, the clinical significance of this variant is uncertain due to the absence of conclusive functional and genetic evidence.

NM_004186.5(SEMA3F):c.328G>A (p.Asp110Asn)

Gene: SEMA3F (semaphorin 3F; plus strand). Cytogenetic location: 3p21.31.
Variant type: single nucleotide variant.
Coding change: c.328G>A on transcript NM_004186.5 (MANE Select); coding-DNA position 328, G replaced by A.
Protein change: p.Asp110Asn; replaces aspartic acid 110 with asparagine.
Molecular consequence: missense variant.
Genome position (GRCh38, 1-based): chr3:50,174,106, G>A. VCF-style: chr3-50174106-G-A. GRCh37 (hg19) VCF-style: chr3-50211539-G-A.
Other names: c.124G>A, p.Asp42Asn (NM_001318798.2); c.328G>A, p.Asp110Asn (NM_001318800.2); short protein forms D110N, D42N.
Identifiers: ClinVar variation 5000450 (VCV005000450.1).